The following is an entry in ClinVar:

ClinVar aggregate classification (germline): Uncertain significance. Review status: criteria provided, multiple submitters, no conflicts (2 of 4 stars). 2 submissions from 2 submitters: Uncertain significance (2). Last evaluated 2022-07-25.

Allele frequency attached by ClinVar (database versions not stated): gnomAD exomes 0.00001; TOPMed 0.00001.

Submissions (2):

Labcorp Genetics (formerly Invitae), Labcorp
Classification: Uncertain significance. Last evaluated: 2022-07-25. Review status: criteria provided, single submitter. Criteria: Invitae Variant Classification Sherloc (09022015). Collection method: clinical testing. Allele origin: germline.
Comment: This variant has not been reported in the literature in individuals affected with DHX38-related conditions. The frequency data for this variant in the population databases is considered unreliable, as metrics indicate poor data quality at this position in the gnomAD database. This sequence change affects a donor splice site in intron 5 of the DHX38 gene. It is expected to disrupt RNA splicing. Variants that disrupt the donor or acceptor splice site typically lead to a loss of protein function (PMID: 16199547), however the current clinical and genetic evidence is not sufficient to establish whether loss-of-function variants in DHX38 cause disease. ClinVar contains an entry for this variant (Variation ID: 1412244). In summary, the available evidence is currently insufficient to determine the role of this variant in disease. Therefore, it has been classified as a Variant of Uncertain Significance. Algorithms developed to predict the effect of sequence changes on RNA splicing suggest that this variant may disrupt the consensus splice site.

Blueprint Genetics
Classification: Uncertain significance. Last evaluated: 2022-04-12. Review status: criteria provided, single submitter. Criteria: ACMG Guidelines, 2015. Collection method: clinical testing. Allele origin: germline.

Literature cited by the submitters: PubMed 16199547 (cited by Labcorp Genetics (formerly Invitae), Labcorp).

NM_014003.4(DHX38):c.764+2T>G

Gene: DHX38 (DEAH-box helicase 38; plus strand). Cytogenetic location: 16q22.2.
Variant type: single nucleotide variant.
Coding change: c.764+2T>G on transcript NM_014003.4 (MANE Select); the canonical splice donor site of the intron after coding-DNA position 764, T replaced by G.
Molecular consequence: splice donor variant.
Genome position (GRCh38, 1-based): chr16:72,098,794, T>G. VCF-style: chr16-72098794-T-G. GRCh37 (hg19) VCF-style: chr16-72132693-T-G.
Identifiers: ClinVar variation 1412244 (VCV001412244.9), dbSNP rs1167157093, ClinGen allele CA396703158.